The following is an entry in ClinVar:

ClinVar aggregate classification (germline): Likely benign. Review status: criteria provided, multiple submitters, no conflicts (2 of 4 stars). 3 submissions from 3 submitters: Likely benign (3). Last evaluated 2024-01-14.

Conditions:
Hereditary cancer-predisposing syndrome. Also called: Tumor predisposition; Hereditary neoplastic syndrome; Neoplastic Syndromes, Hereditary; Hereditary Cancer Syndrome. Identifiers: Orphanet 140162, MedGen C0027672, MeSH D009386, MONDO:0015356.
Hereditary breast ovarian cancer syndrome. Also called: Hereditary breast and/or ovarian cancer syndrome; Hereditary breast and ovarian cancer syndrome; Hereditary breast and ovarian cancer syndrome (HBOC); Hereditary breast and ovarian cancer; BRCA1- and BRCA2-Associated Hereditary Breast and Ovarian Cancer; Breast and ovarian cancer. Identifiers: Orphanet 145, MedGen C0677776, MeSH D061325, MONDO:0003582. Disease mechanism: loss of function.

Allele frequency attached by ClinVar (database versions not stated): gnomAD exomes below 0.00001 and 0.00001; ExAC 0.00002.
gnomAD v4.1: 3 of 1,545,706 alleles (0.00019%); highest among the groups gnomAD compares: South Asian, 0.0023%; no homozygotes.

Submissions (3):

Labcorp Genetics (formerly Invitae), Labcorp
Classification: Likely benign for Hereditary breast ovarian cancer syndrome. Last evaluated: 2024-01-14. Review status: criteria provided, single submitter. Criteria: Invitae Variant Classification Sherloc (09022015). Collection method: clinical testing. Allele origin: germline.

Color Diagnostics, LLC DBA Color Health
Classification: Likely benign for Hereditary cancer-predisposing syndrome. Last evaluated: 2017-09-11. Review status: criteria provided, single submitter. Criteria: ACMG Guidelines, 2015. Collection method: clinical testing. Allele origin: germline.

GeneDx
Classification: Likely benign. Last evaluated: 2016-08-29. Review status: criteria provided, single submitter. Criteria: GeneDx Variant Classification (06012015). Collection method: clinical testing. Allele origin: germline. Affected: yes.
Comment: This variant is considered likely benign or benign based on one or more of the following criteria: it is a conservative change, it occurs at a poorly conserved position in the protein, it is predicted to be benign by multiple in silico algorithms, and/or has population frequency not consistent with disease.

NM_007294.4(BRCA1):c.212+13G>A

Gene: BRCA1 (BRCA1 DNA repair associated; minus strand). Cytogenetic location: 17q21.31.
Variant type: single nucleotide variant.
Coding change: c.212+13G>A on transcript NM_007294.4 (MANE Select); 13 bases into the intron after coding-DNA position 212, G replaced by A.
Molecular consequence: intron variant.
Genome position (GRCh38, 1-based): chr17:43,106,443, C>T on the plus strand (G>A on the coding strand, the complement: BRCA1 is on the minus strand). VCF-style: chr17-43106443-C-T. GRCh37 (hg19) VCF-style: chr17-41258460-C-T.
Other names: c.71+13G>A (NM_001408458.1, NM_001407931.1, NM_001407747.1 and 99 more transcripts); c.-218-11583G>A (NM_001407967.1, NM_001407966.1); c.-169-1487G>A (NM_001407959.1, NM_001407962.1, NM_001408512.1 and 4 more transcripts); c.2+35G>A (NM_001407885.1, NM_001407886.1, NM_001407898.1 and 58 more transcripts); c.212+13G>A (NM_001407686.1, NM_001408397.1, NM_001407632.1 and 167 more transcripts); c.81-1487G>A (NM_001408451.1); c.135-1487G>A (NM_001408475.1, NM_001407875.1, NM_001407659.1 and 21 more transcripts).
Identifiers: ClinVar variation 382526 (VCV000382526.13), dbSNP rs752088834, ClinGen allele CA055277.